The following is an entry in ClinVar:

NM_020964.3(EPG5):c.4523C>G (p.Pro1508Arg)

Gene: EPG5 (ectopic P-granules 5 autophagy tethering factor; minus strand). Cytogenetic location: 18q21.1.
Variant type: single nucleotide variant.
Coding change: c.4523C>G on transcript NM_020964.3 (MANE Select); coding-DNA position 4523, C replaced by G.
Protein change: p.Pro1508Arg; replaces proline 1508 with arginine.
Molecular consequence: missense variant.
Genome position (GRCh38, 1-based): chr18:45,901,119, G>C on the plus strand (C>G on the coding strand, the complement: EPG5 is on the minus strand). VCF-style: chr18-45901119-G-C. GRCh37 (hg19) VCF-style: chr18-43481084-G-C.
Other names: c.4523C>G, p.Pro1508Arg (NM_001410858.1, NM_001410859.1); short protein forms P1508R.
Identifiers: ClinVar variation 1715411 (VCV001715411.5), dbSNP rs1462381114, ClinGen allele CA402337840.
Genomic context (GRCh38, chr18:45,901,119, plus strand): 5'-AATAGCACAGCAGAGGAAATAACTGGCACAGGAGGCTTCGTCGGGTGCAGAGCAAGGGGA[G>C]GCTGGGGAGCCTCATGCTTCCGCAAGTTACTTAAAACCCTTTCTTTAGCTGAAAGAAAAT-3'
Protein context (NP_066015.2, residues 1498-1518): SNLRKHEAPQ[Pro1508Arg]PLALHPTKPP

ClinVar aggregate classification (germline): Uncertain significance (1 of 4 stars; one submission).

Conditions:
Vici syndrome (VICIS). Identifiers: Orphanet 1493, MedGen C1855772, MONDO:0009452, OMIM 242840.

Submission:

Labcorp Genetics (formerly Invitae), Labcorp
Classification: Uncertain significance for Vici syndrome. Last evaluated: 2022-08-06. Review status: criteria provided, single submitter. Criteria: Invitae Variant Classification Sherloc (09022015). Collection method: clinical testing. Allele origin: germline.
Comment: In summary, the available evidence is currently insufficient to determine the role of this variant in disease. Therefore, it has been classified as a Variant of Uncertain Significance. Algorithms developed to predict the effect of missense changes on protein structure and function are either unavailable or do not agree on the potential impact of this missense change (SIFT: "Tolerated"; PolyPhen-2: "Probably Damaging"; Align-GVGD: "Class C0"). This variant has not been reported in the literature in individuals affected with EPG5-related conditions. This variant is not present in population databases (gnomAD no frequency). This sequence change replaces proline, which is neutral and non-polar, with arginine, which is basic and polar, at codon 1508 of the EPG5 protein (p.Pro1508Arg).